The following is an entry in ClinVar:

ClinVar aggregate classification (germline): Uncertain significance. Review status: criteria provided, multiple submitters, no conflicts (2 of 4 stars). 2 submissions from 2 submitters: Uncertain significance (2). Last evaluated 2023-12-11.

Conditions:
Inborn genetic diseases. Identifiers: MedGen C0950123, MeSH D030342.

Allele frequency attached by ClinVar (database versions not stated): gnomAD exomes below 0.00001; ExAC 0.00001.
gnomAD v4.1: 4 of 1,614,110 alleles (0.00025%); highest among the groups gnomAD compares: Admixed American, 0.0033%; no homozygotes.

Submissions (2):

Labcorp Genetics (formerly Invitae), Labcorp
Classification: Uncertain significance. Last evaluated: 2023-12-11. Review status: criteria provided, single submitter. Criteria: Invitae Variant Classification Sherloc (09022015). Collection method: clinical testing. Allele origin: germline.
Comment: This sequence change replaces glycine, which is neutral and non-polar, with aspartic acid, which is acidic and polar, at codon 1392 of the KMT2E protein (p.Gly1392Asp). This variant is present in population databases (rs750826809, gnomAD 0.006%). This variant has not been reported in the literature in individuals affected with KMT2E-related conditions. ClinVar contains an entry for this variant (Variation ID: 2170728). Advanced modeling of protein sequence and biophysical properties (such as structural, functional, and spatial information, amino acid conservation, physicochemical variation, residue mobility, and thermodynamic stability) performed at Invitae indicates that this missense variant is not expected to disrupt KMT2E protein function with a negative predictive value of 80%. In summary, the available evidence is currently insufficient to determine the role of this variant in disease. Therefore, it has been classified as a Variant of Uncertain Significance.

Ambry Genetics
Classification: Uncertain significance for Inborn genetic diseases. Last evaluated: 2021-11-09. Review status: criteria provided, single submitter. Criteria: Ambry Variant Classification Scheme 2023. Collection method: clinical testing. Allele origin: germline.

NM_182931.3(KMT2E):c.4175G>A (p.Gly1392Asp)

Gene: KMT2E (lysine methyltransferase 2E (inactive); plus strand). Cytogenetic location: 7q22.3.
Variant type: single nucleotide variant.
Coding change: c.4175G>A on transcript NM_182931.3 (MANE Select); coding-DNA position 4175, G replaced by A.
Protein change: p.Gly1392Asp; replaces glycine 1392 with aspartic acid.
Molecular consequence: missense variant.
Genome position (GRCh38, 1-based): chr7:105,111,931, G>A. VCF-style: chr7-105111931-G-A. GRCh37 (hg19) VCF-style: chr7-104752378-G-A.
Other names: c.4049G>A, p.Gly1350Asp (NM_001410908.1); c.4175G>A, p.Gly1392Asp (NM_018682.4); c.4175G>A (NM_182931.2); short protein forms G1350D, G1392D.
Identifiers: ClinVar variation 2170728 (VCV002170728.5), dbSNP rs750826809, ClinGen allele CA4424697.
Genomic context (GRCh38, chr7:105,111,931, plus strand): 5'-TATTCACAAAACCAGATCCCCAATGGGACTCCACAGTTAGTGCATCCGAAGCTGAAAATG[G>A]TGTTCACCTAAAAACAGAGCTCCAACAAAAACAGCTATCAAATAACAACCAAGCACTTTC-3'
Protein context (NP_891847.1, residues 1382-1402): STVSASEAEN[Gly1392Asp]VHLKTELQQK